The following is an entry in ClinVar:

ClinVar aggregate classification (germline): Uncertain significance (1 of 4 stars; one submission).

gnomAD v4.1: 1 of 1,614,112 alleles (0.000062%); highest among the groups gnomAD compares: Non-Finnish European, 0.000085%; no homozygotes.

Submission:

GeneDx
Classification: Uncertain significance. Last evaluated: 2024-04-29. Review status: criteria provided, single submitter. Criteria: GeneDx Variant Classification Process June 2021. Collection method: clinical testing. Allele origin: germline. Affected: yes.
Comment: Not observed at significant frequency in large population cohorts (gnomAD); In silico analysis indicates that this missense variant does not alter protein structure/function; Has not been previously published as pathogenic or benign to our knowledge

NM_001378418.1(TCF20):c.725C>G (p.Ser242Cys)

Gene: TCF20 (transcription factor 20; minus strand). Cytogenetic location: 22q13.2.
Variant type: single nucleotide variant.
Coding change: c.725C>G on transcript NM_001378418.1 (MANE Select); coding-DNA position 725, C replaced by G.
Protein change: p.Ser242Cys; replaces serine 242 with cysteine.
Molecular consequence: missense variant.
Genome position (GRCh38, 1-based): chr22:42,214,581, G>C on the plus strand (C>G on the coding strand, the complement: TCF20 is on the minus strand). VCF-style: chr22-42214581-G-C. GRCh37 (hg19) VCF-style: chr22-42610587-G-C.
Other names: c.725C>G, p.Ser242Cys (NM_005650.4, NM_181492.3); short protein forms S242C.
Identifiers: ClinVar variation 3373198 (VCV003373198.1).
Genomic context (GRCh38, chr22:42,214,581, plus strand): 5'-CCATCATAGCTCTGTCCAGACTGGCTAAAACGCTGTGGTGAAGGGAAGGAGGAGGAGGAG[G>C]AGGAGGAAGCAGAAGACTGATAGTGTTGGCCAAACTGACCCACTCTTAACTGGTAACCAG-3'
Protein context (NP_001365347.1, residues 232-252): GQHYQSSASS[Ser242Cys]SSSSFPSPQR